The following is an entry in ClinVar:

NM_001040142.2(SCN2A):c.4693T>A (p.Trp1565Arg)

Gene: SCN2A (sodium voltage-gated channel alpha subunit 2; plus strand). Cytogenetic location: 2q24.3.
Variant type: single nucleotide variant.
Coding change: c.4693T>A on transcript NM_001040142.2 (MANE Select); coding-DNA position 4693, T replaced by A.
Protein change: p.Trp1565Arg; replaces tryptophan 1565 with arginine.
Molecular consequence: missense variant.
Genome position (GRCh38, 1-based): chr2:165,386,887, T>A. VCF-style: chr2-165386887-T-A. GRCh37 (hg19) VCF-style: chr2-166243397-T-A.
Other names: c.4693T>A, p.Trp1565Arg (NM_001040143.2, NM_001371246.1, NM_001371247.1 and 1 more transcripts); short protein forms W1565R.
Identifiers: ClinVar variation 937654 (VCV000937654.10), dbSNP rs1701902994, ClinGen allele CA349036526.
Genomic context (GRCh38, chr2:165,386,887, plus strand): 5'-ATGGTCACCATGATGGTGGAAACCGATGACCAGAGTCAAGAAATGACAAACATTCTGTAC[T>A]GGATTAATCTGGTGTTTATTGTTCTGTTCACTGGAGAATGTGTGCTGAAACTGATCTCTC-3'
Protein context (NP_001035232.1, residues 1555-1575): QSQEMTNILY[Trp1565Arg]INLVFIVLFT

ClinVar aggregate classification (germline): Uncertain significance. Review status: criteria provided, multiple submitters, no conflicts (2 of 4 stars). 3 submissions from 3 submitters: Uncertain significance (3). Last evaluated 2024-02-16.

Conditions:
Seizures, benign familial infantile, 3 (BFIS3). Also called: CONVULSIONS, BENIGN FAMILIAL INFANTILE, 3; Familial neonatal seizures. Identifiers: Orphanet 140927, Orphanet 306, MedGen C1843140, MONDO:0011904, OMIM 607745.
Developmental and epileptic encephalopathy, 11 (DEE11). Also called: Early infantile epileptic encephalopathy 11. Identifiers: Orphanet 1934, MedGen C3150987, MONDO:0013388, OMIM 613721.

Allele frequency attached by ClinVar (database versions not stated): TOPMed below 0.00001.
gnomAD v4.1: 1 of 1,613,994 alleles (0.000062%); highest among the groups gnomAD compares: Non-Finnish European, 0.000085%; no homozygotes.

Submissions (3):

GeneDx
Classification: Uncertain significance. Last evaluated: 2024-02-16. Review status: criteria provided, single submitter. Criteria: GeneDx Variant Classification Process June 2021. Collection method: clinical testing. Allele origin: germline. Affected: yes.
Comment: Not observed at significant frequency in large population cohorts (gnomAD); In silico analysis supports that this missense variant has a deleterious effect on protein structure/function; This substitution is predicted to be within the transmembrane segment S2 of the fourth homologous domain; Has not been previously published as pathogenic or benign to our knowledge

Labcorp Genetics (formerly Invitae), Labcorp
Classification: Uncertain significance for Seizures, benign familial infantile, 3; Developmental and epileptic encephalopathy, 11. Last evaluated: 2023-03-30. Review status: criteria provided, single submitter. Criteria: Invitae Variant Classification Sherloc (09022015). Collection method: clinical testing. Allele origin: germline.
Comment: In summary, the available evidence is currently insufficient to determine the role of this variant in disease. Therefore, it has been classified as a Variant of Uncertain Significance. Advanced modeling of protein sequence and biophysical properties (such as structural, functional, and spatial information, amino acid conservation, physicochemical variation, residue mobility, and thermodynamic stability) performed at Invitae indicates that this missense variant is not expected to disrupt SCN2A protein function. ClinVar contains an entry for this variant (Variation ID: 937654). This variant has not been reported in the literature in individuals affected with SCN2A-related conditions. This variant is not present in population databases (gnomAD no frequency). This sequence change replaces tryptophan, which is neutral and slightly polar, with arginine, which is basic and polar, at codon 1565 of the SCN2A protein (p.Trp1565Arg).

Revvity Omics, Revvity
Classification: Uncertain significance. Last evaluated: 2019-11-27. Review status: criteria provided, single submitter. Criteria: ACMG Guidelines, 2015. Collection method: clinical testing. Allele origin: germline.